The following is an entry in ClinVar:

ClinVar aggregate classification (germline): Likely benign. Review status: criteria provided, multiple submitters, no conflicts (2 of 4 stars). 2 submissions from 2 submitters: Likely benign (2). Last evaluated 2018-06-19.

Allele frequency attached by ClinVar (database versions not stated): gnomAD 0.01292 and 0.01403; 1000 Genomes Project 0.01398; 1000 Genomes Project 30x 0.01405; TOPMed 0.01467.
gnomAD v4.1: 2,996 of 924,026 alleles (0.32%); highest among the groups gnomAD compares: African/African-American, 4.4%; 66 homozygotes.

Submissions (2):

GeneDx
Classification: Likely benign. Last evaluated: 2018-06-19. Review status: criteria provided, single submitter. Criteria: GeneDx Variant Classification (06012015). Collection method: clinical testing. Allele origin: germline. Affected: yes.
Comment: This variant is considered likely benign or benign based on one or more of the following criteria: it is a conservative change, it occurs at a poorly conserved position in the protein, it is predicted to be benign by multiple in silico algorithms, and/or has population frequency not consistent with disease.

Breakthrough Genomics
Classification: Likely benign. Review status: criteria provided, single submitter. Criteria: ACMG Guidelines, 2015. Collection method: not provided. Allele origin: germline. Inheritance: Autosomal recessive inheritance. Affected: yes.

NM_006767.4(LZTR1):c.791+138C>T

Gene: LZTR1 (leucine zipper like post translational regulator 1; plus strand). Cytogenetic location: 22q11.21.
Variant type: single nucleotide variant.
Coding change: c.791+138C>T on transcript NM_006767.4 (MANE Select); 138 bases into the intron after coding-DNA position 791, C replaced by T.
Molecular consequence: intron variant.
Genome position (GRCh38, 1-based): chr22:20,990,663, C>T. VCF-style: chr22-20990663-C-T. GRCh37 (hg19) VCF-style: chr22-21344952-C-T.
Identifiers: ClinVar variation 561639 (VCV000561639.2), dbSNP rs77604252, ClinGen allele CA14973171.